The following is an entry in ClinVar:

ClinVar aggregate classification (germline): Benign. Review status: criteria provided, multiple submitters, no conflicts (2 of 4 stars). 3 submissions from 3 submitters: Benign (3). Last evaluated 2024-12-02.

Conditions:
SNORD118-related condition.

Allele frequency attached by ClinVar (database versions not stated): 1000 Genomes Project 0.02456; 1000 Genomes Project 30x 0.02483.
gnomAD v4.1: 14,886 of 761,974 alleles (2%); highest among the groups gnomAD compares: Middle Eastern, 6.6%; 241 homozygotes.

Submissions (3):

PreventionGenetics, part of Exact Sciences
Classification: Benign for SNORD118-related condition. Last evaluated: 2024-12-02. Review status: criteria provided, single submitter. Criteria: ACMG Guidelines, 2015. Collection method: clinical testing. Allele origin: germline.
Comment: This variant is classified as benign based on ACMG/AMP sequence variant interpretation guidelines (Richards et al. 2015 PMID: 25741868, with internal and published modifications).

GeneDx
Classification: Benign. Last evaluated: 2021-05-31. Review status: criteria provided, single submitter. Criteria: GeneDx Variant Classification Process June 2021. Collection method: clinical testing. Allele origin: germline. Affected: yes.

Breakthrough Genomics
Classification: Benign. Review status: criteria provided, single submitter. Criteria: ACMG Guidelines, 2015. Collection method: not provided. Allele origin: germline. Inheritance: Autosomal recessive inheritance. Affected: yes.

NM_183065.4(TMEM107):c.*605G>C

Genes: SNORD118 (small nucleolar RNA, C/D box 118; minus strand), TMEM107 (transmembrane protein 107; minus strand). Cytogenetic location: 17p13.1.
Variant type: single nucleotide variant.
Coding change: c.*605G>C on transcript NM_183065.4 (MANE Select); 605 bases downstream of the stop codon, G replaced by C.
Molecular consequence: 3 prime UTR variant. On other transcripts: non-coding transcript variant (1).
Genome position (GRCh38, 1-based): chr17:8,173,598, C>G on the plus strand (G>C on the coding strand, the complement: TMEM107 is on the minus strand). VCF-style: chr17-8173598-C-G. GRCh37 (hg19) VCF-style: chr17-8076916-C-G.
Other names: c.*605G>C (NM_001351278.2, NM_001351279.2, NM_001351280.2 and 1 more transcripts).
Identifiers: ClinVar variation 1222325 (VCV001222325.5), dbSNP rs11650713, ClinGen allele CA8370879.
Genomic context (GRCh38, chr17:8,173,598, plus strand): 5'-CTAATCTGCCCTCCGGAGGAGGAACAGGTAAGGATTATCCCACCTGACGATACAGACAAA[C>G]AGCCGACATTCTGCACTCAGTGAAAAAGATTCCGTTACAAGCTAGGGTGAGTTCATAACG-3'